The following is an entry in ClinVar:

NM_006015.6(ARID1A):c.5329G>T (p.Glu1777Ter)

Gene: ARID1A (AT-rich interaction domain 1A; plus strand). Cytogenetic location: 1p36.11.
Variant type: single nucleotide variant.
Coding change: c.5329G>T on transcript NM_006015.6 (MANE Select); coding-DNA position 5329, G replaced by T.
Protein change: p.Glu1777Ter; replaces glutamic acid 1777 with a stop codon.
Molecular consequence: nonsense.
Genome position (GRCh38, 1-based): chr1:26,779,227, G>T. VCF-style: chr1-26779227-G-T. GRCh37 (hg19) VCF-style: chr1-27105718-G-T.
Other names: c.4678G>T, p.Glu1560Ter (NM_139135.4); short protein forms E1560*, E1777*.
Identifiers: ClinVar variation 1746859 (VCV001746859.2), dbSNP rs2124138237, ClinGen allele CA339184795.

ClinVar aggregate classification (germline): Pathogenic (1 of 4 stars; one submission).

Conditions:
Inborn genetic diseases. Identifiers: MedGen C0950123, MeSH D030342.

Submission:

Ambry Genetics
Classification: Pathogenic for Inborn genetic diseases. Last evaluated: 2019-10-23. Review status: criteria provided, single submitter. Criteria: Ambry Variant Classification Scheme 2023. Collection method: clinical testing. Allele origin: germline.
Comment: The p.E1777* variant (also known as c.5329G>T), located in coding exon 20 of the ARID1A gene, results from a G to T substitution at nucleotide position 5329. This changes the amino acid from a glutamic acid to a stop codon within coding exon 20. This alteration is expected to result in loss of function by premature protein truncation. As such, this alteration is interpreted as a disease-causing mutation.